The following is an entry in ClinVar:

ClinVar aggregate classification (germline): Uncertain significance (1 of 4 stars; one submission).

Submission:

Labcorp Genetics (formerly Invitae), Labcorp
Classification: Uncertain significance. Last evaluated: 2025-10-04. Review status: criteria provided, single submitter. Criteria: Invitae Variant Classification Sherloc (09022015). Collection method: clinical testing. Allele origin: germline.
Comment: This sequence change replaces alanine, which is neutral and non-polar, with valine, which is neutral and non-polar, at codon 356 of the GATA5 protein (p.Ala356Val). This variant is present in population databases (rs187463665, gnomAD 0.007%). This variant has not been reported in the literature in individuals affected with GATA5-related conditions. Invitae Evidence Modeling of protein sequence and biophysical properties (such as structural, functional, and spatial information, amino acid conservation, physicochemical variation, residue mobility, and thermodynamic stability) indicates that this missense variant is not expected to disrupt GATA5 protein function with a negative predictive value of 80%. In summary, the available evidence is currently insufficient to determine the role of this variant in disease. Therefore, it has been classified as a Variant of Uncertain Significance.

NM_080473.5(GATA5):c.1067C>T (p.Ala356Val)

Gene: GATA5 (GATA binding protein 5; minus strand). Cytogenetic location: 20q13.33.
Variant type: single nucleotide variant.
Coding change: c.1067C>T on transcript NM_080473.5 (MANE Select); coding-DNA position 1067, C replaced by T.
Protein change: p.Ala356Val; replaces alanine 356 with valine.
Molecular consequence: missense variant.
Genome position (GRCh38, 1-based): chr20:62,464,963, G>A on the plus strand (C>T on the coding strand, the complement: GATA5 is on the minus strand). VCF-style: chr20-62464963-G-A. GRCh37 (hg19) VCF-style: chr20-61040019-G-A.
Other names: short protein forms A356V.
Identifiers: ClinVar variation 4781237 (VCV004781237.1).